The following is an entry in ClinVar:

ClinVar aggregate classification (germline): Conflicting classifications of pathogenicity. Review status: criteria provided, conflicting classifications (1 of 4 stars). 3 submissions from 3 submitters: Uncertain significance (2); Likely benign (1). Last evaluated 2024-09-05.

Conditions:
Pityriasis rubra pilaris (PRP). Also called: Pityriasis rubra pilaris--familial type. Identifiers: Orphanet 2897, MedGen C0032027, MONDO:0100017, OMIM 173200, MONDO:0008251.
Psoriasis 2. Identifiers: MedGen C1864497, MONDO:0011269, OMIM 602723.
Inborn genetic diseases. Identifiers: MedGen C0950123, MeSH D030342.

Allele frequency attached by ClinVar (database versions not stated): 1000 Genomes Project 30x 0.00016; TOPMed 0.00017; 1000 Genomes Project 0.00020.
gnomAD v4.1: 49 of 1,560,436 alleles (0.0031%); highest among the groups gnomAD compares: African/African-American, 0.051%; no homozygotes.

Submissions (3):

Labcorp Genetics (formerly Invitae), Labcorp
Classification: Uncertain significance for Pityriasis rubra pilaris; Psoriasis 2. Last evaluated: 2024-09-05. Review status: criteria provided, single submitter. Criteria: Invitae Variant Classification Sherloc (09022015). Collection method: clinical testing. Allele origin: germline.
Comment: This sequence change replaces alanine, which is neutral and non-polar, with glutamic acid, which is acidic and polar, at codon 208 of the CARD14 protein (p.Ala208Glu). The frequency data for this variant in the population databases is considered unreliable, as metrics indicate poor data quality at this position in the gnomAD database. This variant has not been reported in the literature in individuals affected with CARD14-related conditions. ClinVar contains an entry for this variant (Variation ID: 968301). Invitae Evidence Modeling of protein sequence and biophysical properties (such as structural, functional, and spatial information, amino acid conservation, physicochemical variation, residue mobility, and thermodynamic stability) indicates that this missense variant is expected to disrupt CARD14 protein function with a positive predictive value of 80%. In summary, the available evidence is currently insufficient to determine the role of this variant in disease. Therefore, it has been classified as a Variant of Uncertain Significance.

Ambry Genetics
Classification: Uncertain significance for Inborn genetic diseases. Last evaluated: 2023-05-17. Review status: criteria provided, single submitter. Criteria: Ambry Variant Classification Scheme 2023. Collection method: clinical testing. Allele origin: germline.

CeGaT Center for Human Genetics Tuebingen
Classification: Likely benign. Last evaluated: 2023-01-01. Review status: criteria provided, single submitter. Criteria: CeGaT Center For Human Genetics Tuebingen Variant Classification Criteria Version 2. Collection method: clinical testing. Allele origin: germline. Affected: yes. Observed: 1 variant allele.
Comment: CARD14: BP4

NM_001366385.1(CARD14):c.623C>A (p.Ala208Glu)

Gene: CARD14 (caspase recruitment domain family member 14; plus strand). Cytogenetic location: 17q25.3.
Variant type: single nucleotide variant.
Coding change: c.623C>A on transcript NM_001366385.1 (MANE Select); coding-DNA position 623, C replaced by A.
Protein change: p.Ala208Glu; replaces alanine 208 with glutamic acid.
Molecular consequence: missense variant. On other transcripts: non-coding transcript variant (1).
Genome position (GRCh38, 1-based): chr17:80,184,186, C>A. VCF-style: chr17-80184186-C-A. GRCh37 (hg19) VCF-style: chr17-78157985-C-A.
Other names: c.623C>A, p.Ala208Glu (NM_001257970.1, NM_024110.4); c.623C>A (NM_024110.3); short protein forms A208E.
Identifiers: ClinVar variation 968301 (VCV000968301.36), dbSNP rs538572480, ClinGen allele CA294858353.